The following is an entry in ClinVar:

NM_001127511.3(APC):c.-59T>A

Gene: APC (APC regulator of Wnt signaling pathway; plus strand). Cytogenetic location: 5q22.2.
Variant type: single nucleotide variant.
Coding change: c.-59T>A on transcript NM_001127511.3; 59 bases upstream of the start codon, T replaced by A.
Molecular consequence: 5 prime UTR variant. On other transcripts: non-coding transcript variant (1), intron variant (5).
Genome position (GRCh38, 1-based): chr5:112,707,659, T>A. VCF-style: chr5-112707659-T-A. GRCh37 (hg19) VCF-style: chr5-112043356-T-A.
Other names: c.-242T>A (NM_001354895.2, NM_001407447.1, NM_001407452.1 and 3 more transcripts); c.-59T>A (NM_001354897.2, NM_001354902.2, NM_001407446.1); c.-1277T>A (NM_001407470.1, NM_001407472.1); c.-19+10T>A (NM_001407448.1, NM_001407450.1, NM_001407457.1 and 1 more transcripts); c.-43+10T>A (NM_001407453.1).
Identifiers: ClinVar variation 1007283 (VCV001007283.9), dbSNP rs1554060243, ClinGen allele CA1573442603.

ClinVar aggregate classification (germline): Uncertain significance (1 of 4 stars; one submission).

Conditions:
Familial adenomatous polyposis 1 (FAP1). Also called: FAMILIAL ADENOMATOUS POLYPOSIS 1, ATTENUATED; POLYPOSIS, ADENOMATOUS INTESTINAL. Identifiers: MedGen C2713442, MONDO:0021056, OMIM 175100. Disease mechanism: loss of function.

Submission:

Labcorp Genetics (formerly Invitae), Labcorp
Classification: Uncertain significance for Familial adenomatous polyposis 1. Last evaluated: 2026-01-26. Review status: criteria provided, single submitter. Criteria: Invitae Variant Classification Sherloc (09022015). Collection method: clinical testing. Allele origin: germline.
Comment: This variant occurs in a non-coding region of the APC gene. It does not change the encoded amino acid sequence of the APC protein. This variant is not present in population databases (gnomAD no frequency). This variant has not been reported in the literature in individuals affected with APC-related conditions. Experimental studies and prediction algorithms are not available or were not evaluated, and the functional significance of this variant is currently unknown. In summary, the available evidence is currently insufficient to determine the role of this variant in disease. Therefore, it has been classified as a Variant of Uncertain Significance.